The following is an entry in ClinVar:

ClinVar aggregate classification (germline): Uncertain significance. Review status: criteria provided, multiple submitters, no conflicts (2 of 4 stars). 3 submissions from 3 submitters: Uncertain significance (3). Last evaluated 2020-08-31.

Allele frequency attached by ClinVar (database versions not stated): gnomAD exomes below 0.00001; ExAC 0.00001; gnomAD 0.00001 and 0.00002; TOPMed 0.00002.
gnomAD v4.1: 5 of 1,613,384 alleles (0.00031%); highest among the groups gnomAD compares: Admixed American, 0.0067%; no homozygotes.

Submissions (3):

Labcorp Genetics (formerly Invitae), Labcorp
Classification: Uncertain significance. Last evaluated: 2020-08-31. Review status: criteria provided, single submitter. Criteria: Invitae Variant Classification Sherloc (09022015). Collection method: clinical testing. Allele origin: germline.
Comment: In summary, the available evidence is currently insufficient to determine the role of this variant in disease. Therefore, it has been classified as a Variant of Uncertain Significance. Algorithms developed to predict the effect of missense changes on protein structure and function are either unavailable or do not agree on the potential impact of this missense change (SIFT: "Not Available"; PolyPhen-2: "Benign"; Align-GVGD: "Not Available"). This variant has not been reported in the literature in individuals with CDH3-related conditions. This variant is present in population databases (rs753323144, ExAC 0.01%). This sequence change replaces cysteine with tyrosine at codon 58 of the CDH3 protein (p.Cys58Tyr). The cysteine residue is moderately conserved and there is a large physicochemical difference between cysteine and tyrosine.

Blueprint Genetics
Classification: Uncertain significance. Last evaluated: 2019-04-30. Review status: criteria provided, single submitter. Criteria: ACMG Guidelines, 2015. Collection method: clinical testing. Allele origin: germline.

Breakthrough Genomics
Classification: Uncertain significance. Review status: criteria provided, single submitter. Criteria: ACMG Guidelines, 2015. Collection method: not provided. Allele origin: germline. Inheritance: Autosomal recessive inheritance. Affected: yes.

NM_001793.6(CDH3):c.173G>A (p.Cys58Tyr)

Gene: CDH3 (cadherin 3; plus strand). Cytogenetic location: 16q22.1.
Variant type: single nucleotide variant.
Coding change: c.173G>A on transcript NM_001793.6 (MANE Select); coding-DNA position 173, G replaced by A.
Protein change: p.Cys58Tyr; replaces cysteine 58 with tyrosine.
Molecular consequence: missense variant.
Genome position (GRCh38, 1-based): chr16:68,676,397, G>A. VCF-style: chr16-68676397-G-A. GRCh37 (hg19) VCF-style: chr16-68710300-G-A.
Other names: c.173G>A, p.Cys58Tyr (NM_001317195.3); c.8G>A, p.Cys3Tyr (NM_001317196.2); short protein forms C3Y, C58Y.
Identifiers: ClinVar variation 1000326 (VCV001000326.9), dbSNP rs753323144, ClinGen allele CA8128946.